The following is an entry in ClinVar:

NM_172095.4(CATSPER2):c.674G>A (p.Arg225His)

Gene: CATSPER2 (cation channel sperm associated 2; minus strand). Cytogenetic location: 15q15.3.
Variant type: single nucleotide variant.
Coding change: c.674G>A on transcript NM_172095.4 (MANE Select); coding-DNA position 674, G replaced by A.
Protein change: p.Arg225His; replaces arginine 225 with histidine.
Molecular consequence: missense variant. On other transcripts: non-coding transcript variant (2).
Genome position (GRCh38, 1-based): chr15:43,639,686, C>T on the plus strand (G>A on the coding strand, the complement: CATSPER2 is on the minus strand). VCF-style: chr15-43639686-C-T. GRCh37 (hg19) VCF-style: chr15-43931884-C-T.
Other names: c.674G>A, p.Arg225His (NM_001282309.3, NM_172096.1); c.692G>A, p.Arg231His (NM_001282310.2); short protein forms R231H, R225H.
Identifiers: ClinVar variation 3137771 (VCV003137771.11), dbSNP rs141352021, ClinGen allele CA7528847.

ClinVar aggregate classification (germline): Conflicting classifications of pathogenicity. Review status: criteria provided, conflicting classifications (1 of 4 stars). 3 submissions from 3 submitters: Uncertain significance (1); Likely benign (2). Last evaluated 2025-06-01.

Allele frequency attached by ClinVar (database versions not stated): ESP Exome Variant Server 0.00015; ExAC 0.00022; gnomAD 0.00024; TOPMed 0.00027.
gnomAD v4.1: 622 of 1,613,030 alleles (0.039%); highest among the groups gnomAD compares: Non-Finnish European, 0.047%; 8 homozygotes.

Submissions (3):

CeGaT Center for Human Genetics Tuebingen
Classification: Likely benign. Last evaluated: 2025-06-01. Review status: criteria provided, single submitter. Criteria: CeGaT Center For Human Genetics Tuebingen Variant Classification Criteria Version 2. Collection method: clinical testing. Allele origin: germline. Affected: yes. Observed: 1 variant allele.
Comment: CATSPER2: BS2

Ambry Genetics
Classification: Uncertain significance. Last evaluated: 2025-04-14. Review status: criteria provided, single submitter. Criteria: Ambry Variant Classification Scheme 2023. Collection method: clinical testing. Allele origin: germline.

Blueprint Genetics
Classification: Likely benign. Last evaluated: 2024-09-18. Review status: criteria provided, single submitter. Criteria: ACMG Guidelines, 2015. Collection method: clinical testing. Allele origin: germline.